The following is an entry in ClinVar:

NM_017534.6(MYH2):c.3340del (p.Ile1114fs)

Genes: MYH2 (myosin heavy chain 2; minus strand), MYHAS (myosin heavy chain gene cluster antisense RNA; plus strand). Cytogenetic location: 17p13.1.
Variant type: Deletion.
Coding change: c.3340del on transcript NM_017534.6 (MANE Select); coding-DNA position 3340, one base deleted (A; older notation c.3340delA).
Protein change: p.Ile1114fs; shifts the reading frame from isoleucine 1114.
Molecular consequence: frameshift variant.
Genome position (GRCh38, 1-based): chr17:10,529,176, T deleted on the plus strand (A on the coding strand, the reverse complement: MYH2 is on the minus strand); the first of 4 consecutive T bases (chr17:10,529,176-10,529,179); deleting any one gives the same sequence. VCF-style (leftmost placement, unchanged base first): chr17-10529175-AT-A. GRCh37 (hg19) VCF-style: chr17-10432492-AT-A.
Other names: c.3340del, p.Ile1114fs (NM_001100112.2); short protein forms I1114fs.
Identifiers: ClinVar variation 4850813 (VCV004850813.1).

ClinVar aggregate classification (germline): Likely pathogenic (1 of 4 stars; one submission).

Conditions:
Myopathy, proximal, and ophthalmoplegia (CMYO6). Also called: INCLUSION BODY MYOPATHY 3, AUTOSOMAL DOMINANT; CONGENITAL MYOPATHY 6 WITH OPHTHALMOPLEGIA; MYOPATHY WITH CONGENITAL JOINT CONTRACTURES, OPHTHALMOPLEGIA, AND RIMMED VACUOLES. Identifiers: Orphanet 363677, Orphanet 79091, MedGen C1854106, MONDO:0011577, OMIM 605637.

Submission:

Variantyx, Inc.
Classification: Likely pathogenic for Myopathy, proximal, and ophthalmoplegia. Last evaluated: 2026-01-04. Review status: criteria provided, single submitter. Criteria: Variantyx Assertion Criteria 2022. Collection method: clinical testing. Allele origin: germline. Inheritance: Autosomal recessive inheritance. Affected: no.
Comment: This is a frameshift variant in the MYH2 gene (OMIM: 160740). Pathogenic variants in this gene have been associated with autosomal recessive congenital myopathy 6 with ophthalmoplegia. This variant introduces a premature termination codon in exon 27 out of 40 expected to result in loss of function, which is a known disease mechanism for MYH2 in this disorder (PMID: 20418530) (PVS1). This variant is absent from control populations (PM2), and it has not been reported in individuals with MYH2-related disorders in the databases available for review. Based on the current evidence, this variant is classified as likely pathogenic for autosomal recessive congenital myopathy 6 with ophthalmoplegia.

Literature cited by the submitters: PubMed 20418530.